The following is an entry in ClinVar:

ClinVar aggregate classification (germline): Uncertain significance (1 of 4 stars; one submission).

Submission:

GeneDx
Classification: Uncertain significance. Last evaluated: 2022-07-19. Review status: criteria provided, single submitter. Criteria: GeneDx Variant Classification Process June 2021. Collection method: clinical testing. Allele origin: germline. Affected: yes.
Comment: Not observed at significant frequency in large population cohorts (gnomAD); In silico analysis supports that this missense variant does not alter protein structure/function; Has not been previously published as pathogenic or benign to our knowledge

NM_001348768.2(HECW2):c.3203T>C (p.Val1068Ala)

Gene: HECW2 (HECT, C2 and WW domain containing E3 ubiquitin protein ligase 2; minus strand). Cytogenetic location: 2q32.3.
Variant type: single nucleotide variant.
Coding change: c.3203T>C on transcript NM_001348768.2 (MANE Select); coding-DNA position 3203, T replaced by C.
Protein change: p.Val1068Ala; replaces valine 1068 with alanine.
Molecular consequence: missense variant.
Genome position (GRCh38, 1-based): chr2:196,274,056, A>G on the plus strand (T>C on the coding strand, the complement: HECW2 is on the minus strand). VCF-style: chr2-196274056-A-G. GRCh37 (hg19) VCF-style: chr2-197138780-A-G.
Other names: c.2135T>C, p.Val712Ala (NM_001304840.3); c.3203T>C, p.Val1068Ala (NM_020760.4); short protein forms V712A, V1068A.
Identifiers: ClinVar variation 2136182 (VCV002136182.1), dbSNP rs2468845893, ClinGen allele CA349952131.